The following is an entry in ClinVar:

ClinVar aggregate classification (germline): Pathogenic (1 of 4 stars; one submission).

Submission:

Clinical Genomics Laboratory, Laboratory for Precision Diagnostics, University of Washington
Classification: Pathogenic. Last evaluated: 2022-06-24. Review status: criteria provided, single submitter. Criteria: ACMG/ClinGen CNV Guidelines, 2019. Collection method: clinical testing. Allele origin: unknown. Affected: yes. Observed: 1 variant allele.
Comment: This deletion is approximately 522 kb in size and contains 4 protein-coding genes. The deletion contains the entirety of the region of 15q11.2 associated with the 15q11.2 BP1-BP2 microdeletion syndrome, a condition with incomplete penetrance and variable expressivity.

Literature cited by the submitters: PubMed 28387067; PubMed 21841781; PubMed 25689425; PubMed 31665216; PubMed 31451536; PubMed 23258348.

GRCh38/hg38 15q11.2(chr15:22600361-23122763)x1

Genes: CYFIP1 (cytoplasmic FMR1 interacting protein 1; minus strand), NIPA1 (NIPA magnesium transporter 1; plus strand), NIPA2 (NIPA magnesium transporter 2; plus strand), TUBGCP5 (tubulin gamma complex component 5; minus strand), LOC112272575 (Sharpr-MPRA regulatory region 8478; plus strand) and 15 more. Cytogenetic location: 15q11.2.
Variant type: copy number loss.
Change: copy number 1 (one copy instead of two) of chr15:22,600,361-23,122,763 (522.4 kb, GRCh38 coordinates, 1-based), cytogenetic band 15q11.2.
Identifiers: ClinVar variation 4852038 (VCV004852038.1).